The following is an entry in ClinVar:

ClinVar aggregate classification (germline): Benign/Likely benign. Review status: criteria provided, multiple submitters, no conflicts (2 of 4 stars). 3 submissions from 3 submitters: Benign (2); Likely benign (1). Last evaluated 2025-10-03.

Conditions:
Cone-rod dystrophy 7 (CORD7). Identifiers: Orphanet 1872, MedGen C1863634, MONDO:0011355, OMIM 603649.

Allele frequency attached by ClinVar (database versions not stated): gnomAD 0.00007 and 0.00009; TOPMed 0.00012; 1000 Genomes Project 0.00020; ExAC 0.00025; 1000 Genomes Project 30x 0.00047.
gnomAD v4.1: 171 of 1,563,768 alleles (0.011%); highest among the groups gnomAD compares: East Asian, 0.38%; no homozygotes.

Submissions (3):

Labcorp Genetics (formerly Invitae), Labcorp
Classification: Benign. Last evaluated: 2025-10-03. Review status: criteria provided, single submitter. Criteria: Invitae Variant Classification Sherloc (09022015). Collection method: clinical testing. Allele origin: germline.

Blueprint Genetics
Classification: Likely benign. Last evaluated: 2024-06-28. Review status: criteria provided, single submitter. Criteria: ACMG Guidelines, 2015. Collection method: clinical testing. Allele origin: germline.

Illumina Laboratory Services, Illumina
Classification: Benign for Cone-rod dystrophy 7. Last evaluated: 2018-01-13. Review status: criteria provided, single submitter. Criteria: ICSL Variant Classification Criteria 13 December 2019. Collection method: clinical testing. Allele origin: germline.
Comment: This variant was observed in the ICSL laboratory as part of a predisposition screen in an ostensibly healthy population. It had not been previously curated by ICSL or reported in the Human Gene Mutation Database (HGMD: prior to June 1st, 2018), and was therefore a candidate for classification through an automated scoring system. Utilizing variant allele frequency, disease prevalence and penetrance estimates, and inheritance mode, an automated score was calculated to assess if this variant is too frequent to cause the disease. Based on the score and internal cut-off values, a variant classified as benign is not then subjected to further curation. The score for this variant resulted in a classification of benign for this disease.

NM_014989.7(RIMS1):c.4860+15G>A

Gene: RIMS1 (regulating synaptic membrane exocytosis 1; plus strand). Cytogenetic location: 6q13.
Variant type: single nucleotide variant.
Coding change: c.4860+15G>A on transcript NM_014989.7 (MANE Select); 15 bases into the intron after coding-DNA position 4860, G replaced by A.
Molecular consequence: intron variant.
Genome position (GRCh38, 1-based): chr6:72,399,109, G>A. VCF-style: chr6-72399109-G-A. GRCh37 (hg19) VCF-style: chr6-73108811-G-A.
Other names: c.2238+15G>A (NM_001350428.2); c.2682+15G>A (NM_001350459.2); c.2166+15G>A (NM_001350424.2); c.2763+15G>A (NM_001350437.2); c.2235+15G>A (NM_001350430.2, NM_001168408.2); c.2679+15G>A (NM_001350421.2); c.2163+15G>A (NM_001350450.2); c.2829+15G>A (NM_001350458.2); and 54 more.
Identifiers: ClinVar variation 357864 (VCV000357864.14), dbSNP rs553488575, ClinGen allele CA3886617.